The following is an entry in ClinVar:

ClinVar aggregate classification (germline): Uncertain significance (1 of 4 stars; one submission).

Submission:

Labcorp Genetics (formerly Invitae), Labcorp
Classification: Uncertain significance. Last evaluated: 2022-10-18. Review status: criteria provided, single submitter. Criteria: Invitae Variant Classification Sherloc (09022015). Collection method: clinical testing. Allele origin: germline.
Comment: In summary, the available evidence is currently insufficient to determine the role of this variant in disease. Therefore, it has been classified as a Variant of Uncertain Significance. Algorithms developed to predict the effect of missense changes on protein structure and function (SIFT, PolyPhen-2, Align-GVGD) all suggest that this variant is likely to be disruptive. This variant has not been reported in the literature in individuals affected with PRDM13-related conditions. This variant is not present in population databases (gnomAD no frequency). This sequence change replaces aspartic acid, which is acidic and polar, with glutamic acid, which is acidic and polar, at codon 692 of the PRDM13 protein (p.Asp692Glu).

NM_021620.4(PRDM13):c.2076C>A (p.Asp692Glu)

Gene: PRDM13 (PR/SET domain 13; plus strand). Cytogenetic location: 6q16.2.
Variant type: single nucleotide variant.
Coding change: c.2076C>A on transcript NM_021620.4 (MANE Select); coding-DNA position 2076, C replaced by A.
Protein change: p.Asp692Glu; replaces aspartic acid 692 with glutamic acid.
Molecular consequence: missense variant.
Genome position (GRCh38, 1-based): chr6:99,614,711, C>A. VCF-style: chr6-99614711-C-A. GRCh37 (hg19) VCF-style: chr6-100062587-C-A.
Other names: short protein forms D692E.
Identifiers: ClinVar variation 1721804 (VCV001721804.5), dbSNP rs2538548270, ClinGen allele CA365122781.